The following is an entry in ClinVar:

ClinVar aggregate classification (germline): Uncertain significance. Review status: criteria provided, multiple submitters, no conflicts (2 of 4 stars). 2 submissions from 2 submitters: Uncertain significance (2). Last evaluated 2025-02-24.

Allele frequency attached by ClinVar (database versions not stated): gnomAD exomes 0.00006 and 0.00013; ExAC 0.00018.
gnomAD v4.1: 93 of 1,608,766 alleles (0.0058%); highest among the groups gnomAD compares: Middle Eastern, 0.033%; 1 homozygote.

Submissions (2):

Labcorp Genetics (formerly Invitae), Labcorp
Classification: Uncertain significance. Last evaluated: 2025-02-24. Review status: criteria provided, single submitter. Criteria: Invitae Variant Classification Sherloc (09022015). Collection method: clinical testing. Allele origin: germline.
Comment: This sequence change replaces arginine, which is basic and polar, with glutamine, which is neutral and polar, at codon 542 of the MKL1 protein (p.Arg542Gln). The frequency data for this variant in the population databases is considered unreliable, as metrics indicate poor data quality at this position in the gnomAD database. This variant has not been reported in the literature in individuals affected with MKL1-related conditions. ClinVar contains an entry for this variant (Variation ID: 1683014). An algorithm developed to predict the effect of missense changes on protein structure and function outputs the following: PolyPhen-2: "Probably Damaging". The glutamine amino acid residue is found in multiple mammalian species, which suggests that this missense change does not adversely affect protein function. In summary, the available evidence is currently insufficient to determine the role of this variant in disease. Therefore, it has been classified as a Variant of Uncertain Significance.

Ambry Genetics
Classification: Uncertain significance. Last evaluated: 2024-04-01. Review status: criteria provided, single submitter. Criteria: Ambry Variant Classification Scheme 2023. Collection method: clinical testing. Allele origin: germline.

NM_020831.6(MRTFA):c.1925G>A (p.Arg642Gln)

Gene: MRTFA (myocardin related transcription factor A; minus strand). Cytogenetic location: 22q13.1.
Variant type: single nucleotide variant.
Coding change: c.1925G>A on transcript NM_020831.6 (MANE Select); coding-DNA position 1925, G replaced by A.
Protein change: p.Arg642Gln; replaces arginine 642 with glutamine.
Molecular consequence: missense variant.
Genome position (GRCh38, 1-based): chr22:40,418,813, C>T on the plus strand (G>A on the coding strand, the complement: MRTFA is on the minus strand). VCF-style: chr22-40418813-C-T. GRCh37 (hg19) VCF-style: chr22-40814817-C-T.
Other names: c.1625G>A, p.Arg542Gln (NM_001282660.2); c.1775G>A, p.Arg592Gln (NM_001282661.3); c.1925G>A, p.Arg642Gln (NM_001282662.3); c.1730G>A, p.Arg577Gln (NM_001318139.2); c.1625G>A (NM_020831.3); short protein forms R542Q, R577Q, R592Q, R642Q.
Identifiers: ClinVar variation 1683014 (VCV001683014.9), dbSNP rs770900337, ClinGen allele CA10249495.